The following is an entry in ClinVar:

NM_005618.4(DLL1):c.959A>G (p.Tyr320Cys)

Gene: DLL1 (delta like canonical Notch ligand 1; minus strand). Cytogenetic location: 6q27.
Variant type: single nucleotide variant.
Coding change: c.959A>G on transcript NM_005618.4 (MANE Select); coding-DNA position 959, A replaced by G.
Protein change: p.Tyr320Cys; replaces tyrosine 320 with cysteine.
Molecular consequence: missense variant.
Genome position (GRCh38, 1-based): chr6:170,285,327, T>C on the plus strand (A>G on the coding strand, the complement: DLL1 is on the minus strand). VCF-style: chr6-170285327-T-C. GRCh37 (hg19) VCF-style: chr6-170594415-T-C.
Other names: short protein forms Y320C.
Identifiers: ClinVar variation 3343744 (VCV003343744.2).
Genomic context (GRCh38, chr6:170,285,327, plus strand): 5'-CCGTTCTTACAAGGGCTGGGGTCACACTCGTCAATCCCCAGCTCGCAGGTGGCACCTGTG[T>C]ACCCAGGCCGGCAAGAGCAAGTGTAGCTCCCCTGGCCCGTGTTGGTGCAGGTGGCTCCAT-3'
Protein context (NP_005609.3, residues 310-330): GSYTCSCRPG[Tyr320Cys]TGATCELGID

ClinVar aggregate classification (germline): Uncertain significance (1 of 4 stars; one submission).

Submission:

GeneDx
Classification: Uncertain significance. Last evaluated: 2025-07-17. Review status: criteria provided, single submitter. Criteria: GeneDx Variant Classification Process June 2021. Collection method: clinical testing. Allele origin: germline.
Comment: Not observed at significant frequency in large population cohorts (gnomAD); In silico analysis supports that this missense variant has a deleterious effect on protein structure/function; Has not been previously published as pathogenic or benign to our knowledge